The following is an entry in ClinVar:

NM_004114.5(FGF13):c.694G>A (p.Val232Met)

Gene: FGF13 (fibroblast growth factor 13; minus strand). Cytogenetic location: Xq26.3.
Variant type: single nucleotide variant.
Coding change: c.694G>A on transcript NM_004114.5 (MANE Select); coding-DNA position 694, G replaced by A.
Protein change: p.Val232Met; replaces valine 232 with methionine.
Molecular consequence: missense variant.
Genome position (GRCh38, 1-based): chrX:138,632,894, C>T on the plus strand (G>A on the coding strand, the complement: FGF13 is on the minus strand). VCF-style: chrX-138632894-C-T. GRCh37 (hg19) VCF-style: chrX-137715055-C-T.
Other names: c.556G>A, p.Val186Met (NM_001139498.2); c.724G>A, p.Val242Met (NM_001139500.2); c.637G>A, p.Val213Met (NM_001139501.2, NM_001139502.2); c.535G>A, p.Val179Met (NM_033642.3); short protein forms V179M, V186M, V213M, V232M, V242M.
Identifiers: ClinVar variation 1804314 (VCV001804314.2), dbSNP rs201229168, ClinGen allele CA336208482.
Genomic context (GRCh38, chrX:138,632,894, plus strand): 5'-CTTTTGCCCTCACTGGCTACGTTGATTCATTGTGGCTCATGGATTTGCCTCCGTTCAGCA[C>T]GCCAGAGACACTTCTGCTCTTGGTTGGGGTCCCGCTTCCAGATCGGGAGAACTCCGTGAG-3'
Protein context (NP_004105.1, residues 222-242): TPTKSRSVSG[Val232Met]LNGGKSMSHN

ClinVar aggregate classification (germline): Uncertain significance. Review status: criteria provided, multiple submitters, no conflicts (2 of 4 stars). 2 submissions from 2 submitters: Uncertain significance (2). Last evaluated 2024-01-22.

Allele frequency attached by ClinVar (database versions not stated): TOPMed 0.00001.
gnomAD v4.1: 5 of 1,208,393 alleles (0.00041%); highest among the groups gnomAD compares: South Asian, 0.0018%; no homozygotes.

Submissions (2):

Women's Health and Genetics/Laboratory Corporation of America, LabCorp
Classification: Uncertain significance. Last evaluated: 2024-01-22. Review status: criteria provided, single submitter. Criteria: LabCorp Variant Classification Summary - May 2015. Collection method: clinical testing. Allele origin: germline.
Comment: Variant summary: FGF13 c.694G>A (p.Val232Met) results in a conservative amino acid change in the encoded protein sequence. Three of five in-silico tools predict a benign effect of the variant on protein function. The variant allele was found at a frequency of 5.5e-06 in 183187 control chromosomes (gnomAD). The available data on variant occurrences in the general population are insufficient to allow any conclusion about variant significance. To our knowledge, no occurrence of c.694G>A in individuals affected with FGF13-Related Disorders and no experimental evidence demonstrating its impact on protein function have been reported. ClinVar contains an entry for this variant (Variation ID: 1804314). Based on the evidence outlined above, the variant was classified as uncertain significance.

GeneDx
Classification: Uncertain significance. Last evaluated: 2022-06-13. Review status: criteria provided, single submitter. Criteria: GeneDx Variant Classification Process June 2021. Collection method: clinical testing. Allele origin: germline. Affected: yes.
Comment: In silico analysis supports that this missense variant does not alter protein structure/function; Has not been previously published as pathogenic or benign to our knowledge